The following is an entry in ClinVar:

ClinVar aggregate classification (germline): Uncertain significance (1 of 4 stars; one submission).

Conditions:
Deficiency of adenosine deaminase 2. Also called: Adenosine Deaminase 2 Deficiency; VASCULITIS, AUTOINFLAMMATION, IMMUNODEFICIENCY, AND HEMATOLOGIC DEFECTS SYNDROME; Polyarteritis nodosa, childhoood-onset. Identifiers: Orphanet 404553, MedGen C3887654, MONDO:0014306, OMIM 615688, MONDO:0100317.

Allele frequency attached by ClinVar (database versions not stated): gnomAD exomes below 0.00001.

Submission:

Labcorp Genetics (formerly Invitae), Labcorp
Classification: Uncertain significance for Deficiency of adenosine deaminase 2. Last evaluated: 2024-07-01. Review status: criteria provided, single submitter. Criteria: Invitae Variant Classification Sherloc (09022015). Collection method: clinical testing. Allele origin: germline.
Comment: This sequence change replaces proline, which is neutral and non-polar, with serine, which is neutral and polar, at codon 316 of the ADA2 protein (p.Pro316Ser). This variant is not present in population databases (gnomAD no frequency). This variant has not been reported in the literature in individuals affected with ADA2-related conditions. ClinVar contains an entry for this variant (Variation ID: 1943078). Advanced modeling of protein sequence and biophysical properties (such as structural, functional, and spatial information, amino acid conservation, physicochemical variation, residue mobility, and thermodynamic stability) has been performed at Invitae for this missense variant, however the output from this modeling did not meet the statistical confidence thresholds required to predict the impact of this variant on ADA2 protein function. In summary, the available evidence is currently insufficient to determine the role of this variant in disease. Therefore, it has been classified as a Variant of Uncertain Significance.

NM_001282225.2(ADA2):c.946C>T (p.Pro316Ser)

Gene: ADA2 (adenosine deaminase 2; minus strand). Cytogenetic location: 22q11.1.
Variant type: single nucleotide variant.
Coding change: c.946C>T on transcript NM_001282225.2 (MANE Select); coding-DNA position 946, C replaced by T.
Protein change: p.Pro316Ser; replaces proline 316 with serine.
Molecular consequence: missense variant.
Genome position (GRCh38, 1-based): chr22:17,189,968, G>A on the plus strand (C>T on the coding strand, the complement: ADA2 is on the minus strand). VCF-style: chr22-17189968-G-A. GRCh37 (hg19) VCF-style: chr22-17670858-G-A.
Other names: c.946C>T, p.Pro316Ser (NM_001282226.2); c.820C>T, p.Pro274Ser (NM_001282227.2, NM_001282228.2); c.586C>T, p.Pro196Ser (NM_001282229.2); c.223C>T, p.Pro75Ser (NM_177405.3); short protein forms P274S, P316S, P196S, P75S.
Identifiers: ClinVar variation 1943078 (VCV001943078.4), dbSNP rs2123644050, ClinGen allele CA410233683.